The following is an entry in ClinVar:

NM_020774.4(MIB1):c.401+28C>T

Gene: MIB1 (MIB E3 ubiquitin protein ligase 1; plus strand). Cytogenetic location: 18q11.2.
Variant type: single nucleotide variant.
Coding change: c.401+28C>T on transcript NM_020774.4 (MANE Select); 28 bases into the intron after coding-DNA position 401, C replaced by T.
Molecular consequence: intron variant.
Genome position (GRCh38, 1-based): chr18:21,765,971, C>T. VCF-style: chr18-21765971-C-T. GRCh37 (hg19) VCF-style: chr18-19345932-C-T.
Identifiers: ClinVar variation 679094 (VCV000679094.2), dbSNP rs3017048, ClinGen allele CA8907998.

ClinVar aggregate classification (germline): Benign. Review status: criteria provided, multiple submitters, no conflicts (2 of 4 stars). 2 submissions from 2 submitters: Benign (2). Last evaluated 2018-06-14.

Allele frequency attached by ClinVar (database versions not stated): gnomAD exomes 0.00317 and 0.00880; ExAC 0.01086; gnomAD 0.03227 and 0.03458; TOPMed 0.03668; ESP Exome Variant Server 0.03829; 1000 Genomes Project 0.03874; 1000 Genomes Project 30x 0.04201.
gnomAD v4.1: 9,743 of 1,608,420 alleles (0.61%); highest among the groups gnomAD compares: African/African-American, 11%; 536 homozygotes.

Submissions (2):

GeneDx
Classification: Benign. Last evaluated: 2018-06-14. Review status: criteria provided, single submitter. Criteria: GeneDx Variant Classification (06012015). Collection method: clinical testing. Allele origin: germline. Affected: yes.
Comment: This variant is considered likely benign or benign based on one or more of the following criteria: it is a conservative change, it occurs at a poorly conserved position in the protein, it is predicted to be benign by multiple in silico algorithms, and/or has population frequency not consistent with disease.

Breakthrough Genomics
Classification: Benign. Review status: criteria provided, single submitter. Criteria: ACMG Guidelines, 2015. Collection method: not provided. Allele origin: germline. Inheritance: Autosomal dominant inheritance. Affected: yes.